The following is an entry in ClinVar:

ClinVar aggregate classification (germline): Uncertain significance (1 of 4 stars; one submission).

Conditions:
ALPL-related disorder. Also called: ALPL-related condition; ALPL-related disorders.

Submission:

PreventionGenetics, part of Exact Sciences
Classification: Uncertain significance for ALPL-related condition. Last evaluated: 2025-04-04. Review status: criteria provided, single submitter. Criteria: ACMG Guidelines, 2015. Collection method: clinical testing. Allele origin: germline.
Comment: The ALPL c.1043C>T variant is predicted to result in the amino acid substitution p.Ala348Val. To our knowledge, this variant has not been reported in the literature or in a large population database (gnomAD), indicating this variant is rare. A different amino acid substitution at this position (c.1042G>A, p.Ala348Thr) has been reported with a second ALPL variant in patient with childhood hypophosphatasia (Reported as A159T in Taillandier et al. 2000. PubMed ID: 10679946). At this time, the clinical significance of this variant is uncertain due to the absence of conclusive functional and genetic evidence.

NM_000478.6(ALPL):c.1043C>T (p.Ala348Val)

Gene: ALPL (alkaline phosphatase, biomineralization associated; plus strand). Cytogenetic location: 1p36.12.
Variant type: single nucleotide variant.
Coding change: c.1043C>T on transcript NM_000478.6 (MANE Select); coding-DNA position 1043, C replaced by T.
Protein change: p.Ala348Val; replaces alanine 348 with valine.
Molecular consequence: missense variant.
Genome position (GRCh38, 1-based): chr1:21,575,778, C>T. VCF-style: chr1-21575778-C-T. GRCh37 (hg19) VCF-style: chr1-21902271-C-T.
Other names: c.878C>T, p.Ala293Val (NM_001127501.4); c.812C>T, p.Ala271Val (NM_001177520.3); c.1043C>T, p.Ala348Val (NM_001369803.2, NM_001369804.2, NM_001369805.2); short protein forms A348V, A293V, A271V.
Identifiers: ClinVar variation 4980967 (VCV004980967.1).